The following is an entry in ClinVar:

NM_000642.3(AGL):c.4330A>T (p.Asn1444Tyr)

Gene: AGL (amylo-alpha-1,6-glucosidase and 4-alpha-glucanotransferase; plus strand). Cytogenetic location: 1p21.2.
Variant type: single nucleotide variant.
Coding change: c.4330A>T on transcript NM_000642.3 (MANE Select); coding-DNA position 4330, A replaced by T.
Protein change: p.Asn1444Tyr; replaces asparagine 1444 with tyrosine.
Molecular consequence: missense variant.
Genome position (GRCh38, 1-based): chr1:99,916,480, A>T. VCF-style: chr1-99916480-A-T. GRCh37 (hg19) VCF-style: chr1-100382036-A-T.
Other names: c.4330A>T, p.Asn1444Tyr (NM_000643.3, NM_000644.3, NM_001425325.1 and 1 more transcripts); c.4282A>T, p.Asn1428Tyr (NM_000646.3); c.4309A>T, p.Asn1437Tyr (NM_001425326.1); c.4129A>T, p.Asn1377Tyr (NM_001425327.1); c.4126A>T, p.Asn1376Tyr (NM_001425328.1); c.3991A>T, p.Asn1331Tyr (NM_001425329.1); c.3952A>T, p.Asn1318Tyr (NM_001425332.1); short protein forms N1444Y, N1428Y, N1318Y, N1331Y, N1376Y, N1377Y, N1437Y.
Identifiers: ClinVar variation 1995968 (VCV001995968.4), dbSNP rs375100886, ClinGen allele CA341342340.

ClinVar aggregate classification (germline): Uncertain significance (1 of 4 stars; one submission).

Conditions:
Glycogen storage disease type III (GSD3). Also called: FORBES DISEASE; Cori disease. Identifiers: Orphanet 366, MedGen C0017922, MONDO:0009291, OMIM 232400.

Submission:

Labcorp Genetics (formerly Invitae), Labcorp
Classification: Uncertain significance for Glycogen storage disease type III. Last evaluated: 2022-05-25. Review status: criteria provided, single submitter. Criteria: Invitae Variant Classification Sherloc (09022015). Collection method: clinical testing. Allele origin: germline.
Comment: In summary, the available evidence is currently insufficient to determine the role of this variant in disease. Therefore, it has been classified as a Variant of Uncertain Significance. Algorithms developed to predict the effect of missense changes on protein structure and function (SIFT, PolyPhen-2, Align-GVGD) all suggest that this variant is likely to be disruptive. This variant has not been reported in the literature in individuals affected with AGL-related conditions. This variant is not present in population databases (gnomAD no frequency). This sequence change replaces asparagine, which is neutral and polar, with tyrosine, which is neutral and polar, at codon 1444 of the AGL protein (p.Asn1444Tyr).